The following is an entry in ClinVar:

ClinVar aggregate classification (germline): Uncertain significance (1 of 4 stars; one submission).

Submission:

Labcorp Genetics (formerly Invitae), Labcorp
Classification: Uncertain significance. Last evaluated: 2024-10-25. Review status: criteria provided, single submitter. Criteria: Invitae Variant Classification Sherloc (09022015). Collection method: clinical testing. Allele origin: germline.
Comment: This sequence change replaces valine, which is neutral and non-polar, with isoleucine, which is neutral and non-polar, at codon 684 of the CPAMD8 protein (p.Val684Ile). The frequency data for this variant in the population databases is considered unreliable, as metrics indicate poor data quality at this position in the gnomAD database. This variant has not been reported in the literature in individuals affected with CPAMD8-related conditions. ClinVar contains an entry for this variant (Variation ID: 1899346). An algorithm developed to predict the effect of missense changes on protein structure and function outputs the following: PolyPhen-2: "Benign". The isoleucine amino acid residue is found in multiple mammalian species, which suggests that this missense change does not adversely affect protein function. In summary, the available evidence is currently insufficient to determine the role of this variant in disease. Therefore, it has been classified as a Variant of Uncertain Significance.

NM_015692.5(CPAMD8):c.1909G>A (p.Val637Ile)

Gene: CPAMD8 (C3 and PZP like alpha-2-macroglobulin domain containing 8; minus strand). Cytogenetic location: 19p13.11.
Variant type: single nucleotide variant.
Coding change: c.1909G>A on transcript NM_015692.5 (MANE Select); coding-DNA position 1909, G replaced by A.
Protein change: p.Val637Ile; replaces valine 637 with isoleucine.
Molecular consequence: missense variant. On other transcripts: non-coding transcript variant (1).
Genome position (GRCh38, 1-based): chr19:16,975,258, C>T on the plus strand (G>A on the coding strand, the complement: CPAMD8 is on the minus strand). VCF-style: chr19-16975258-C-T. GRCh37 (hg19) VCF-style: chr19-17086068-C-T.
Other names: short protein forms V637I.
Identifiers: ClinVar variation 1899346 (VCV001899346.5), dbSNP rs1196218697, ClinGen allele CA404656061.